The following is an entry in ClinVar:

NM_000218.3(KCNQ1):c.1198C>G (p.Pro400Ala)

Gene: KCNQ1 (potassium voltage-gated channel subfamily Q member 1; plus strand). Cytogenetic location: 11p15.5.
Variant type: single nucleotide variant.
Coding change: c.1198C>G on transcript NM_000218.3 (MANE Select); coding-DNA position 1198, C replaced by G.
Protein change: p.Pro400Ala; replaces proline 400 with alanine.
Molecular consequence: missense variant.
Genome position (GRCh38, 1-based): chr11:2,587,639, C>G. VCF-style: chr11-2587639-C-G. GRCh37 (hg19) VCF-style: chr11-2608869-C-G.
Other names: c.1102C>G, p.Pro368Ala (NM_001406836.1); c.928C>G, p.Pro310Ala (NM_001406837.1); c.658C>G, p.Pro220Ala (NM_001406838.1); c.817C>G, p.Pro273Ala (NM_181798.2); short protein forms P273A, P400A, P220A, P368A, P310A.
Identifiers: ClinVar variation 518535 (VCV000518535.23), dbSNP rs1489132337, ClinGen allele CA379134775.
Genomic context (GRCh38, chr11:2,587,639, plus strand): 5'-AGGTGCTATGCTGCCGAGAACCCCGACTCCTCCACCTGGAAGATCTACATCCGGAAGGCC[C>G]CCCGGAGCCACACTCTGCTGTCACCCAGCCCCAAACCCAAGAAGTCTGTGGTGGTGAGTA-3'
Protein context (NP_000209.2, residues 390-410): STWKIYIRKA[Pro400Ala]RSHTLLSPSP

ClinVar aggregate classification (germline): Conflicting classifications of pathogenicity. Review status: criteria provided, conflicting classifications (1 of 4 stars). 5 submissions from 5 submitters: Uncertain significance (4); Likely benign (1). Last evaluated 2025-12-01.

Conditions:
Long QT syndrome (LQTS). Identifiers: MedGen C0023976, MeSH D008133, MONDO:0002442. Disease mechanism: loss of function. Inheritance: Various modes of inheritance.
Cardiac arrhythmia. Also called: Arrhythmia; Cardiac rhythm disease. Identifiers: MedGen C0003811, MONDO:0007263, HP:0011675.
Cardiovascular phenotype. Identifiers: MedGen CN230736.

Allele frequency attached by ClinVar (database versions not stated): gnomAD 0.00001; TOPMed 0.00001.
gnomAD v4.1: 1 of 1,613,842 alleles (0.000062%); highest among the groups gnomAD compares: Non-Finnish European, 0.000085%; no homozygotes.

Submissions (5):

GeneDx
Classification: Uncertain significance. Last evaluated: 2025-12-01. Review status: criteria provided, single submitter. Criteria: GeneDx Variant Classification Process June 2021. Collection method: clinical testing. Allele origin: germline. Affected: yes.
Comment: Has not been previously published as pathogenic or benign to our knowledge; Not observed at significant frequency in large population cohorts (gnomAD); In silico analysis suggests that this missense variant does not alter protein structure/function

Color Diagnostics, LLC DBA Color Health
Classification: Uncertain significance for Cardiac arrhythmia. Last evaluated: 2024-08-29. Review status: criteria provided, single submitter. Criteria: ACMG Guidelines, 2015. Collection method: clinical testing. Allele origin: germline.
Comment: This missense variant replaces proline with alanine at codon 400 of the KCNQ1 protein. Computational prediction is inconclusive regarding the impact of this variant on protein structure and function. To our knowledge, functional studies have not been reported for this variant. This variant has not been reported in individuals affected with KCNQ1-related disorders in the literature. This variant has not been identified in the general population by the Genome Aggregation Database (gnomAD). The available evidence is insufficient to determine the role of this variant in disease conclusively. Therefore, this variant is classified as a Variant of Uncertain Significance.

All of Us Research Program, National Institutes of Health
Classification: Likely benign for Long QT syndrome. Last evaluated: 2023-08-08. Review status: criteria provided, single submitter. Criteria: ACMG Guidelines, 2015. Collection method: clinical testing. Allele origin: germline. Inheritance: Autosomal dominant inheritance. Observed: 1 variant allele, 1 heterozygote.
Comment: This study involves interpretation of variants in research participants for the purpose of population health screening. Participant phenotype was not available at the time of variant classification. Additional details can be found in publication PMID: 35346344, PMCID: PMC8962531

Labcorp Genetics (formerly Invitae), Labcorp
Classification: Uncertain significance for Long QT syndrome. Last evaluated: 2023-06-23. Review status: criteria provided, single submitter. Criteria: Invitae Variant Classification Sherloc (09022015). Collection method: clinical testing. Allele origin: germline.
Comment: This sequence change replaces proline, which is neutral and non-polar, with alanine, which is neutral and non-polar, at codon 400 of the KCNQ1 protein (p.Pro400Ala). This variant is not present in population databases (gnomAD no frequency). This variant has not been reported in the literature in individuals affected with KCNQ1-related conditions. ClinVar contains an entry for this variant (Variation ID: 518535). Advanced modeling of protein sequence and biophysical properties (such as structural, functional, and spatial information, amino acid conservation, physicochemical variation, residue mobility, and thermodynamic stability) performed at Invitae indicates that this missense variant is not expected to disrupt KCNQ1 protein function. In summary, the available evidence is currently insufficient to determine the role of this variant in disease. Therefore, it has been classified as a Variant of Uncertain Significance.

Ambry Genetics
Classification: Uncertain significance for Cardiovascular phenotype. Last evaluated: 2016-06-17. Review status: criteria provided, single submitter. Criteria: Ambry Variant Classification Scheme 2023. Collection method: clinical testing. Allele origin: germline.
Comment: The p.P400A variant (also known as c.1198C>G), located in coding exon 9 of the KCNQ1 gene, results from a C to G substitution at nucleotide position 1198. The proline at codon 400 is replaced by alanine, an amino acid with highly similar properties. This variant was not reported in population based cohorts in the following databases: Database of Single Nucleotide Polymorphisms (dbSNP), NHLBI Exome Sequencing Project (ESP), and 1000 Genomes Project. In the ESP, this variant was not observed in 6501 samples (13002 alleles) with coverage at this position. This amino acid position is poorly conserved in available vertebrate species, and alanine is the reference amino acid in other vertebrate species. In addition, the in silico prediction for this alteration is inconclusive. Since supporting evidence is limited at this time, the clinical significance of this alteration remains unclear.